The following is an entry in ClinVar:

NM_000038.6(APC):c.1290_1300del (p.Met431fs)

Gene: APC (APC regulator of Wnt signaling pathway; plus strand). Cytogenetic location: 5q22.2.
Variant type: Deletion.
Coding change: c.1290_1300del on transcript NM_000038.6 (MANE Select); coding-DNA positions 1290 to 1300, 11 bases deleted (CATGGACCAGG).
Protein change: p.Met431fs; shifts the reading frame from methionine 431.
Molecular consequence: frameshift variant. On other transcripts: non-coding transcript variant (2).
Genome position (GRCh38, 1-based): chr5:112,819,322-112,819,332, CATGGACCAGG deleted; deleting any 11 consecutive bases within chr5:112,819,316-112,819,332 gives the same sequence; the c. name uses the placement nearest the transcript's 3' end. VCF-style (leftmost placement, unchanged base first): chr5-112819315-AACCAGGCATGG-A. GRCh37 (hg19) VCF-style: chr5-112155012-AACCAGGCATGG-A.
Other names: c.1290_1300del, p.Met431fs (NM_001127510.3, NM_001354895.2, NM_001354896.2 and 4 more transcripts); c.1236_1246del, p.Met413fs (NM_001127511.3); c.1320_1330del, p.Met441fs (NM_001354897.2, NM_001407446.1); c.1215_1225del, p.Met406fs (NM_001354898.2, NM_001407451.1); c.1206_1216del, p.Met403fs (NM_001354899.2, NM_001407452.1); c.1113_1123del, p.Met372fs (NM_001354900.2, NM_001354901.2, NM_001407453.1); c.1017_1027del, p.Met340fs (NM_001354902.2); c.987_997del, p.Met330fs (NM_001354903.2, NM_001407454.1, NM_001407455.1 and 5 more transcripts); and 5 more; short protein forms M340fs, M403fs, M148fs, M302fs, M330fs, M372fs, M441fs, M305fs.
Identifiers: ClinVar variation 2734758 (VCV002734758.3), dbSNP rs2533059110, ClinGen allele CA2695202720.
Genomic context (GRCh38, chr5:112,819,315, plus strand): 5'-ATCTTTTGGAACAGATACGCGCTTACTGTGAAACCTGTTGGGAGTGGCAGGAAGCTCATG[AACCAGGCATGG>A]ACCAGGACAAAAATCCAAGTATGTTCTCTATAGTGTACATCGTAGTGCATGTTTCAAAGC-3'

ClinVar aggregate classification (germline): Pathogenic (1 of 4 stars; one submission).

Conditions:
Familial adenomatous polyposis 1 (FAP1). Also called: POLYPOSIS, ADENOMATOUS INTESTINAL; FAMILIAL ADENOMATOUS POLYPOSIS 1, ATTENUATED. Identifiers: MedGen C2713442, MONDO:0021056, OMIM 175100. Disease mechanism: loss of function.

Submission:

Labcorp Genetics (formerly Invitae), Labcorp
Classification: Pathogenic for Familial adenomatous polyposis 1. Last evaluated: 2023-07-18. Review status: criteria provided, single submitter. Criteria: Invitae Variant Classification Sherloc (09022015). Collection method: clinical testing. Allele origin: germline.
Comment: For these reasons, this variant has been classified as Pathogenic. This variant has not been reported in the literature in individuals affected with APC-related conditions. This variant is not present in population databases (gnomAD no frequency). This sequence change creates a premature translational stop signal (p.Met431Glnfs*9) in the APC gene. It is expected to result in an absent or disrupted protein product. Loss-of-function variants in APC are known to be pathogenic (PMID: 17963004, 20685668).

Literature cited by the submitters: PubMed 17963004; PubMed 20685668.